The following is an entry in ClinVar:

NM_001395159.1(UNC79):c.2661G>C (p.Val887=)

Gene: UNC79 (unc-79 subunit of NALCN channel complex; plus strand). Cytogenetic location: 14q32.12.
Variant type: single nucleotide variant.
Coding change: c.2661G>C on transcript NM_001395159.1 (MANE Select); coding-DNA position 2661, G replaced by C.
Protein change: p.Val887=; no amino-acid change (valine 887 retained).
Molecular consequence: synonymous variant.
Genome position (GRCh38, 1-based): chr14:93,580,376, G>C. VCF-style: chr14-93580376-G-C. GRCh37 (hg19) VCF-style: chr14-94046722-G-C.
Other names: c.2661G>C, p.Val887= (NM_001346218.2); c.2130G>C, p.Val710= (NM_020818.5).
Identifiers: ClinVar variation 4840330 (VCV004840330.1).
Genomic context (GRCh38, chr14:93,580,376, plus strand): 5'-CTATCAGCTTGCTTGTGAACTCCTGGAGAGACTAGCTCCTAAAGAAGAAAGCCGGCTGGT[G>C]GTAAGCAGTTGAAGAAACGAGATGACCCATGTATAATAGCATTAAAGACTGCAGTAGCTG-3'
Protein context (NP_001382088.1, residues 877-897): RLAPKEESRL[Val887=]EPTDSLEDSL

ClinVar aggregate classification (germline): Uncertain significance (1 of 4 stars; one submission).

Conditions:
Inborn genetic diseases. Identifiers: MedGen C0950123, MeSH D030342.

Submission:

Ambry Genetics
Classification: Uncertain significance for Inborn genetic diseases. Last evaluated: 2026-03-06. Review status: criteria provided, single submitter. Criteria: Ambry Variant Classification Scheme 2023. Collection method: clinical testing. Allele origin: germline.
Comment: The c.2130G>C (p.V710V) alteration is located in exon 19 (coding exon 16) of the UNC79 gene. This alteration consists of a G to C substitution at nucleotide position 2130. This nucleotide substitution does not change the amino acid at codon 710. However, this change occurs in the last base pair of exon 19 (coding exon16), which makes it likely to have some effect on normal mRNA splicing. This variant was not reported in population-based cohorts in the Genome Aggregation Database (gnomAD). This nucleotide position is highly conserved in available vertebrate species. In silico splice site analysis predicts that this alteration will weaken the native splice donor site. Based on insufficient or conflicting evidence, the clinical significance of this alteration remains unclear.